The following is an entry in ClinVar:

NM_001273.5(CHD4):c.2025-3T>C

Gene: CHD4 (chromodomain helicase DNA binding protein 4; minus strand). Cytogenetic location: 12p13.31.
Variant type: single nucleotide variant.
Coding change: c.2025-3T>C on transcript NM_001273.5 (MANE Select); 3 bases into the intron before coding-DNA position 2025, T replaced by C.
Molecular consequence: intron variant.
Genome position (GRCh38, 1-based): chr12:6,595,433, A>G on the plus strand (T>C on the coding strand, the complement: CHD4 is on the minus strand). VCF-style: chr12-6595433-A-G. GRCh37 (hg19) VCF-style: chr12-6704599-A-G.
Other names: c.2025-3T>C (NM_001273.2, NM_001273.3); c.1986-3T>C (NM_001363606.2); c.2004-3T>C (NM_001297553.2).
Identifiers: ClinVar variation 1443437 (VCV001443437.9), dbSNP rs370071477, ClinGen allele CA6412066.

ClinVar aggregate classification (germline): Conflicting classifications of pathogenicity. Review status: criteria provided, conflicting classifications (1 of 4 stars). 3 submissions from 3 submitters: Uncertain significance (1); Likely benign (1). 1 of the submissions does not count toward it. Last evaluated 2024-10-17.

Conditions:
CHD4-related disorder. Also called: CHD4-related condition.
Inborn genetic diseases. Identifiers: MedGen C0950123, MeSH D030342.

Allele frequency attached by ClinVar (database versions not stated): gnomAD 0.00005; TOPMed 0.00005; gnomAD exomes 0.00008; ESP Exome Variant Server 0.00015.
gnomAD v4.1: 120 of 1,612,886 alleles (0.0074%); highest among the groups gnomAD compares: Admixed American, 0.018%; no homozygotes.

Submissions (3):

Labcorp Genetics (formerly Invitae), Labcorp
Classification: Uncertain significance. Last evaluated: 2024-10-17. Review status: criteria provided, single submitter. Criteria: Invitae Variant Classification Sherloc (09022015). Collection method: clinical testing. Allele origin: germline.
Comment: This sequence change falls in intron 13 of the CHD4 gene. It does not directly change the encoded amino acid sequence of the CHD4 protein. It affects a nucleotide within the consensus splice site. This variant is present in population databases (rs370071477, gnomAD 0.02%). This variant has not been reported in the literature in individuals affected with CHD4-related conditions. ClinVar contains an entry for this variant (Variation ID: 1443437). Variants that disrupt the consensus splice site are a relatively common cause of aberrant splicing (PMID: 17576681, 9536098). Algorithms developed to predict the effect of sequence changes on RNA splicing suggest that this variant is not likely to affect RNA splicing. In summary, the available evidence is currently insufficient to determine the role of this variant in disease. Therefore, it has been classified as a Variant of Uncertain Significance.

Ambry Genetics
Classification: Likely benign for Inborn genetic diseases. Last evaluated: 2022-02-02. Review status: criteria provided, single submitter. Criteria: Ambry Variant Classification Scheme 2023. Collection method: clinical testing. Allele origin: germline.

PreventionGenetics, part of Exact Sciences
Classification: Likely benign for CHD4-related condition. Last evaluated: 2019-03-21. Review status: no assertion criteria provided. Collection method: clinical testing. Allele origin: germline. Not counted in ClinVar's aggregate classification.
Comment: This variant is classified as likely benign based on ACMG/AMP sequence variant interpretation guidelines (Richards et al. 2015 PMID: 25741868, with internal and published modifications).

Literature cited by the submitters: PubMed 17576681 (cited by Labcorp Genetics (formerly Invitae), Labcorp); PubMed 9536098 (cited by Labcorp Genetics (formerly Invitae), Labcorp).